The following is an entry in ClinVar:

ClinVar aggregate classification (germline): Uncertain significance (1 of 4 stars; one submission).

Submission:

Women's Health and Genetics/Laboratory Corporation of America, LabCorp
Classification: Uncertain significance. Last evaluated: 2025-11-06. Review status: criteria provided, single submitter. Criteria: LabCorp Variant Classification Summary - May 2015. Collection method: clinical testing. Allele origin: germline.
Comment: Variant summary: The variant involves the deletion of exons 1-6 in the CFHR1 gene. This deletion includes the entire coding sequence of the gene. As the exact proximal and distal breakpoints are unknown, it may extend beyond the annotated region of the gene to include other flanking genes. A presumed nomenclature of c.(?_-115)_(*191_?)del has been designated for the purposes of this classification. Current evidence is not sufficient to establish loss of function as a mechanism for disease. The deletion of the CFHR1 gene in isolation was not found in controls (gnomAD). However, several copy number variants (CNVs) involving the deletion of CFHR1 together with large DNA segments (which include entirely or partly other flanking genes), are reported in this region. A large deletion (size: ~124 kbp; which includes the 3'-part of the CFHR3 gene, the entire CFHR1 gene, and exons 1-6 of the CFHR4 gene) was found at a frequency of 0.015 in 125,112 control chromosomes in the gnomAD database (SVs v4.1.0 dataset), including 43 homozygotes. In addition, another structural variant, which includes the deletion of the CFHR1 and CFHR3 genes (size: ~80 kbp) is reported as a multiallelic CNV (mCNV), with a high frequency among control individuals (non-diploid CN frequency: 0.448; including 919 homozygotes in 10847 samples) in the gnomAD database (SVs v2.1). Studies determining the population frequency of the CFHR3/CFHR1 deletion also reported similarly high allele frequencies across multiple ethnicities (e.g. Homes_2013). On the other hand, several papers reported the combined deletion of CFHR1 and CFHR3 in association with a lower risk for age-related macular degeneration (ARMD) and with a higher risk for atypical hemolytic-uremic syndrome (aHUS) especially in patients with FH autoantibodies; another CNV, described as the combined deletion of CFHR1 and CFHR4, was also found with relatively high frequencies in genetic screenings, and was occasionally reported in patients with aHUS (e.g. Hughes 2006, Zipfel 2007, Fritsche 2010, Moore_2010, Tschernoster_2022, Rodriguez de Cordoba 2022, Sandor_2024). Some of these studies described that the proteins encoded by these genes were absent in the serum of homozygotes and reported risk-association of 'CFHR1 deficiency' with aHUS (e.g. Jiang_2016), suggesting that the lack of the FHR-1 protein predisposes to the development of aHUS associated FH autoantibodies. The following publications have been ascertained in the context of this evaluation (PMID: 20843825, 19861685, 38410512, 27929404, 36089777, 35398599, 16998489, 17367211, 23613724). ClinVar contains entries for similar deletions (e.g. Variation ID 5065). In conclusion, while the combined deletions of CFHR1 and CFHR3 (or other flanking genes) are widely reported as CNV polymorphisms and described as a risk alleles / protective alleles in the context of various complement related disease phenotypes, to our knowledge the deletion of the CFHR1 gene in isolation was not reported. Based on the evidence outlined above, the variant was classified as uncertain significance.

Literature cited by the submitters: PubMed 17367211; PubMed 16998489; PubMed 36089777; PubMed 20843825; PubMed 23613724; PubMed 27929404; PubMed 19861685; PubMed 38410512; PubMed 35398599.

NC_000001.10:g.(?_196788860)_(196801320_?)del

Gene: CFHR1 (complement factor H related 1; plus strand). Cytogenetic location: 1q31.3.
Variant type: Deletion.
Identifiers: ClinVar variation 4536989 (VCV004536989.1).